The following is an entry in ClinVar:

NM_001369.3(DNAH5):c.4267A>G (p.Ile1423Val)

Genes: DNAH5 (dynein axonemal heavy chain 5; minus strand), DNAH5-AS1 (DNAH5 antisense RNA 1; plus strand). Cytogenetic location: 5p15.2.
Variant type: single nucleotide variant.
Coding change: c.4267A>G on transcript NM_001369.3 (MANE Select); coding-DNA position 4267, A replaced by G.
Protein change: p.Ile1423Val; replaces isoleucine 1423 with valine.
Molecular consequence: missense variant.
Genome position (GRCh38, 1-based): chr5:13,865,756, T>C on the plus strand (A>G on the coding strand, the complement: DNAH5 is on the minus strand). VCF-style: chr5-13865756-T-C. GRCh37 (hg19) VCF-style: chr5-13865865-T-C.
Other names: short protein forms I1423V.
Identifiers: ClinVar variation 3714300 (VCV003714300.2).

ClinVar aggregate classification (germline): Uncertain significance (1 of 4 stars; one submission).

Conditions:
Primary ciliary dyskinesia. Also called: Ciliary dyskinesia. Identifiers: Orphanet 244, MedGen C0008780, MONDO:0016575, HP:0012265.

gnomAD v4.1: 70 of 1,606,512 alleles (0.0044%); highest among the groups gnomAD compares: Non-Finnish European, 0.0058%; no homozygotes.

Submission:

Labcorp Genetics (formerly Invitae), Labcorp
Classification: Uncertain significance for Primary ciliary dyskinesia. Last evaluated: 2025-09-09. Review status: criteria provided, single submitter. Criteria: Invitae Variant Classification Sherloc (09022015). Collection method: clinical testing. Allele origin: germline.
Comment: This sequence change replaces isoleucine, which is neutral and non-polar, with valine, which is neutral and non-polar, at codon 1423 of the DNAH5 protein (p.Ile1423Val). This variant is present in population databases (rs770507423, gnomAD 0.003%). This variant has not been reported in the literature in individuals affected with DNAH5-related conditions. ClinVar contains an entry for this variant (Variation ID: 3714300). Invitae Evidence Modeling of protein sequence and biophysical properties (such as structural, functional, and spatial information, amino acid conservation, physicochemical variation, residue mobility, and thermodynamic stability) indicates that this missense variant is not expected to disrupt DNAH5 protein function with a negative predictive value of 95%. In summary, the available evidence is currently insufficient to determine the role of this variant in disease. Therefore, it has been classified as a Variant of Uncertain Significance.